The following is an entry in ClinVar:

NM_000222.3(KIT):c.1954A>C (p.Asn652His)

Gene: KIT (KIT proto-oncogene, receptor tyrosine kinase; plus strand). Cytogenetic location: 4q12.
Variant type: single nucleotide variant.
Coding change: c.1954A>C on transcript NM_000222.3 (MANE Select); coding-DNA position 1954, A replaced by C.
Protein change: p.Asn652His; replaces asparagine 652 with histidine.
Molecular consequence: missense variant.
Genome position (GRCh38, 1-based): chr4:54,728,085, A>C. VCF-style: chr4-54728085-A-C. GRCh37 (hg19) VCF-style: chr4-55594251-A-C.
Other names: c.1942A>C, p.Asn648His (NM_001093772.2, NM_001385286.1); c.1957A>C, p.Asn653His (NM_001385284.1, NM_001385290.1); c.1954A>C, p.Asn652His (NM_001385285.1); c.1945A>C, p.Asn649His (NM_001385288.1, NM_001385292.1); short protein forms N652H, N648H, N649H, N653H.
Identifiers: ClinVar variation 820405 (VCV000820405.21), dbSNP rs1473859499, ClinGen allele CA356908730.

ClinVar aggregate classification (germline): Uncertain significance. Review status: criteria provided, multiple submitters, no conflicts (2 of 4 stars). 2 submissions from 2 submitters: Uncertain significance (2). Last evaluated 2024-01-18.

Conditions:
Gastrointestinal stromal tumor. Also called: Gastrointestinal stromal tumor, somatic; Gastrointestinal stroma tumor. Identifiers: Orphanet 44890, MedGen C0238198, MeSH D046152, MONDO:0011719, OMIM 606764, HP:0100723.
Hereditary cancer-predisposing syndrome. Also called: Neoplastic Syndromes, Hereditary; Hereditary Cancer Syndrome; Hereditary neoplastic syndrome; Tumor predisposition. Identifiers: Orphanet 140162, MedGen C0027672, MeSH D009386, MONDO:0015356.

Submissions (2):

Labcorp Genetics (formerly Invitae), Labcorp
Classification: Uncertain significance for Gastrointestinal stromal tumor. Last evaluated: 2024-01-18. Review status: criteria provided, single submitter. Criteria: Invitae Variant Classification Sherloc (09022015). Collection method: clinical testing. Allele origin: germline.
Comment: This sequence change replaces asparagine, which is neutral and polar, with histidine, which is basic and polar, at codon 652 of the KIT protein (p.Asn652His). This variant is not present in population databases (gnomAD no frequency). This variant has not been reported in the literature in individuals affected with KIT-related conditions. ClinVar contains an entry for this variant (Variation ID: 820405). An algorithm developed to predict the effect of missense changes on protein structure and function (PolyPhen-2) suggests that this variant is likely to be disruptive. In summary, the available evidence is currently insufficient to determine the role of this variant in disease. Therefore, it has been classified as a Variant of Uncertain Significance.

Ambry Genetics
Classification: Uncertain significance for Hereditary cancer-predisposing syndrome. Last evaluated: 2019-08-22. Review status: criteria provided, single submitter. Criteria: Ambry Variant Classification Scheme 2023. Collection method: clinical testing. Allele origin: germline.
Comment: The p.N652H variant (also known as c.1954A>C), located in coding exon 13 of the KIT gene, results from an A to C substitution at nucleotide position 1954. The asparagine at codon 652 is replaced by histidine, an amino acid with similar properties. This amino acid position is highly conserved in available vertebrate species. In addition, this alteration is predicted to be deleterious by in silico analysis. Since supporting evidence is limited at this time, the clinical significance of this alteration remains unclear.